The following is an entry in ClinVar:

NM_001105206.3(LAMA4):c.2174-28A>C

Gene: LAMA4 (laminin subunit alpha 4; minus strand). Cytogenetic location: 6q21.
Variant type: single nucleotide variant.
Coding change: c.2174-28A>C on transcript NM_001105206.3 (MANE Select); 28 bases into the intron before coding-DNA position 2174, A replaced by C.
Molecular consequence: intron variant.
Genome position (GRCh38, 1-based): chr6:112,148,364, T>G on the plus strand (A>C on the coding strand, the complement: LAMA4 is on the minus strand). VCF-style: chr6-112148364-T-G. GRCh37 (hg19) VCF-style: chr6-112469566-T-G.
Other names: c.2153-28A>C (NM_002290.5, NM_001105207.3).
Identifiers: ClinVar variation 676021 (VCV000676021.1), dbSNP rs77242689, ClinGen allele CA3965549.

ClinVar aggregate classification (germline): Benign (1 of 4 stars; one submission).

Allele frequency attached by ClinVar (database versions not stated): ESP Exome Variant Server 0.00031; gnomAD 0.00203 and 0.00277; gnomAD exomes 0.00217 and 0.00587; TOPMed 0.00381; ExAC 0.00590; 1000 Genomes Project 30x 0.01015; 1000 Genomes Project 0.01218.
gnomAD v4.1: 3,600 of 1,613,104 alleles (0.22%); highest among the groups gnomAD compares: East Asian, 6.3%; 94 homozygotes.

Submission:

GeneDx
Classification: Benign. Last evaluated: 2018-06-16. Review status: criteria provided, single submitter. Criteria: GeneDx Variant Classification (06012015). Collection method: clinical testing. Allele origin: germline. Affected: yes.
Comment: This variant is considered likely benign or benign based on one or more of the following criteria: it is a conservative change, it occurs at a poorly conserved position in the protein, it is predicted to be benign by multiple in silico algorithms, and/or has population frequency not consistent with disease.